The following is an entry in ClinVar:

ClinVar aggregate classification (germline): Benign. Review status: criteria provided, multiple submitters, no conflicts (2 of 4 stars). 3 submissions from 3 submitters: Benign (3). Last evaluated 2026-01-30.

Submissions (3):

Labcorp Genetics (formerly Invitae), Labcorp
Classification: Benign. Last evaluated: 2026-01-30. Review status: criteria provided, single submitter. Criteria: Invitae Variant Classification Sherloc (09022015). Collection method: clinical testing. Allele origin: germline.

ARUP Laboratories, Molecular Genetics and Genomics, ARUP Laboratories
Classification: Benign. Last evaluated: 2021-11-11. Review status: criteria provided, single submitter. Criteria: ARUP Molecular Germline Variant Investigation Process 2021. Collection method: clinical testing. Allele origin: germline.

Laboratory for Molecular Medicine, Mass General Brigham Personalized Medicine
Classification: Benign. Last evaluated: 2016-01-04. Review status: criteria provided, single submitter. Criteria: LMM Criteria. Collection method: clinical testing. Allele origin: germline. Observed: 8 variant alleles.
Comment: c.285-14delG in intron 3 of GRHL2: This variant is not expected to have clinical significance because it has been identified in 0.74% (491/66712) of European ch romosomes by the Exome Aggregation Consortium (ExAC. org; dbSNP rs559133364).

NM_024915.4(GRHL2):c.285-14del

Gene: GRHL2 (grainyhead like transcription factor 2; plus strand). Cytogenetic location: 8q22.3.
Variant type: Deletion.
Coding change: c.285-14del on transcript NM_024915.4 (MANE Select); 14 bases into the intron before coding-DNA position 285, one base deleted (G; older notation c.285-14delG).
Molecular consequence: intron variant.
Genome position (GRCh38, 1-based): chr8:101,558,405, G deleted; the last of 6 consecutive G bases (chr8:101,558,400-101,558,405); deleting any one gives the same sequence. VCF-style (leftmost placement, unchanged base first): chr8-101558399-CG-C. GRCh37 (hg19) VCF-style: chr8-102570627-CG-C.
Other names: c.237-14del (NM_001330593.2).
Identifiers: ClinVar variation 178828 (VCV000178828.21), dbSNP rs727504472, ClinGen allele CA183114.